The following is an entry in ClinVar:

NM_004006.3(DMD):c.2626G>T (p.Glu876Ter)

Gene: DMD (dystrophin; minus strand). Cytogenetic location: Xp21.1.
Variant type: single nucleotide variant.
Coding change: c.2626G>T on transcript NM_004006.3 (MANE Select); coding-DNA position 2626, G replaced by T.
Protein change: p.Glu876Ter; replaces glutamic acid 876 with a stop codon.
Molecular consequence: nonsense.
Genome position (GRCh38, 1-based): chrX:32,485,096, C>A on the plus strand (G>T on the coding strand, the complement: DMD is on the minus strand). VCF-style: chrX-32485096-C-A. GRCh37 (hg19) VCF-style: chrX-32503213-C-A.
Other names: c.2602G>T, p.Glu868Ter (NM_000109.4); c.2614G>T, p.Glu872Ter (NM_004009.3); c.2257G>T, p.Glu753Ter (NM_004010.3); short protein forms E753*, E868*, E872*, E876*.
Identifiers: ClinVar variation 984110 (VCV000984110.4), dbSNP rs1040401556, ClinGen allele CA412671165.

ClinVar aggregate classification (germline): Likely pathogenic (1 of 4 stars; one submission).

Conditions:
Progressive muscular dystrophy. Identifiers: Orphanet 206644, MedGen C4551827, MONDO:0016106.

Submission:

Myriad Genetics, Inc.
Classification: Likely pathogenic for Progressive muscular dystrophy. Last evaluated: 2019-12-14. Review status: criteria provided, single submitter. Criteria: Myriad Autosomal Dominant, Autosomal Recessive and X-Linked Classification Criteria (2023). Collection method: clinical testing. Allele origin: unknown.
Comment: NM_004006.2(DMD):c.2626G>T(E876*) is expected to be pathogenic in the context of dystrophinopathy (including Duchenne/Becker muscular dystrophy). This variant is predicted to lead to an abnormal or absent protein product due to the creation of a premature termination codon in DMD, a gene where loss-of-function variants are known to be pathogenic. Please note: this variant was assessed in the context of healthy population screening.